The following is an entry in ClinVar:

NM_000548.5(TSC2):c.2384G>A (p.Gly795Asp)

Gene: TSC2 (TSC complex subunit 2; plus strand). Cytogenetic location: 16p13.3.
Variant type: single nucleotide variant.
Coding change: c.2384G>A on transcript NM_000548.5 (MANE Select); coding-DNA position 2384, G replaced by A.
Protein change: p.Gly795Asp; replaces glycine 795 with aspartic acid.
Molecular consequence: missense variant.
Genome position (GRCh38, 1-based): chr16:2,074,228, G>A. VCF-style: chr16-2074228-G-A. GRCh37 (hg19) VCF-style: chr16-2124229-G-A.
Other names: c.2384G>A, p.Gly795Asp (NM_001077183.3, NM_001114382.3, NM_001363528.2 and 3 more transcripts); c.2273G>A, p.Gly758Asp (NM_001318827.2); c.2237G>A, p.Gly746Asp (NM_001318829.2); c.1784G>A, p.Gly595Asp (NM_001318831.2); c.2417G>A, p.Gly806Asp (NM_001318832.2); short protein forms G795D, G746D, G806D, G595D, G758D.
Identifiers: ClinVar variation 535855 (VCV000535855.16), dbSNP rs1555507503, ClinGen allele CA394277047.

ClinVar aggregate classification (germline): Uncertain significance. Review status: criteria provided, multiple submitters, no conflicts (2 of 4 stars). 3 submissions from 3 submitters: Uncertain significance (3). Last evaluated 2026-07-09.

Conditions:
Hereditary cancer-predisposing syndrome. Also called: Hereditary Cancer Syndrome; Tumor predisposition; Hereditary neoplastic syndrome; Neoplastic Syndromes, Hereditary. Identifiers: Orphanet 140162, MedGen C0027672, MeSH D009386, MONDO:0015356.
Tuberous sclerosis 2 (TSC2). Identifiers: Orphanet 805, MedGen C1860707, MONDO:0013199, OMIM 613254.
Lymphangiomyomatosis (LAM). Also called: Lymphangioleiomyomatosis; Lymphangioleiomyomatosis, somatic. Identifiers: Orphanet 538, MedGen C0751674, MONDO:0011705, OMIM 606690.
Isolated focal cortical dysplasia type II (FCORD2). Also called: Focal cortical dysplasia type II; CORTICAL DYSPLASIA OF TAYLOR. Identifiers: Orphanet 268994, MedGen C1846385, MONDO:0011818, OMIM 607341, HP:0032051.

Submissions (3):

Ambry Genetics
Classification: Uncertain significance for Hereditary cancer-predisposing syndrome. Last evaluated: 2026-07-09. Review status: criteria provided, single submitter. Criteria: Ambry Variant Classification Scheme 2023. Collection method: clinical testing. Allele origin: germline.
Comment: The p.G795D variant (also known as c.2384G>A), located in coding exon 21 of the TSC2 gene, results from a G to A substitution at nucleotide position 2384. The glycine at codon 795 is replaced by aspartic acid, an amino acid with similar properties. This amino acid position is highly conserved in available vertebrate species. In addition, this alteration is predicted to be deleterious by in silico analysis. Based on the available evidence, the clinical significance of this variant remains unclear.

Labcorp Genetics (formerly Invitae), Labcorp
Classification: Uncertain significance for Tuberous sclerosis 2. Last evaluated: 2025-05-22. Review status: criteria provided, single submitter. Criteria: Invitae Variant Classification Sherloc (09022015). Collection method: clinical testing. Allele origin: germline.
Comment: This sequence change replaces glycine, which is neutral and non-polar, with aspartic acid, which is acidic and polar, at codon 795 of the TSC2 protein (p.Gly795Asp). This variant is not present in population databases (gnomAD no frequency). This variant has not been reported in the literature in individuals affected with TSC2-related conditions. ClinVar contains an entry for this variant (Variation ID: 535855). Invitae Evidence Modeling of protein sequence and biophysical properties (such as structural, functional, and spatial information, amino acid conservation, physicochemical variation, residue mobility, and thermodynamic stability) has been performed for this missense variant. However, the output from this modeling did not meet the statistical confidence thresholds required to predict the impact of this variant on TSC2 protein function. In summary, the available evidence is currently insufficient to determine the role of this variant in disease. Therefore, it has been classified as a Variant of Uncertain Significance.

Fulgent Genetics
Classification: Uncertain significance for Lymphangiomyomatosis; Isolated focal cortical dysplasia type II; Tuberous sclerosis 2. Last evaluated: 2024-04-14. Review status: criteria provided, single submitter. Criteria: ACMG Guidelines, 2015. Collection method: clinical testing. Allele origin: germline.